The following is an entry in ClinVar:

NM_025103.4(IFT74):c.443G>A (p.Gly148Glu)

Gene: IFT74 (intraflagellar transport 74; plus strand). Cytogenetic location: 9p21.2.
Variant type: single nucleotide variant.
Coding change: c.443G>A on transcript NM_025103.4 (MANE Select); coding-DNA position 443, G replaced by A.
Protein change: p.Gly148Glu; replaces glycine 148 with glutamic acid.
Molecular consequence: missense variant.
Genome position (GRCh38, 1-based): chr9:26,984,537, G>A. VCF-style: chr9-26984537-G-A. GRCh37 (hg19) VCF-style: chr9-26984535-G-A.
Other names: c.443G>A (NM_025103.2); c.443G>A, p.Gly148Glu (NM_001099222.3, NM_001099223.3, NM_001099224.3 and 1 more transcripts); short protein forms G148E.
Identifiers: ClinVar variation 4621977 (VCV004621977.2).

ClinVar aggregate classification (germline): Uncertain significance. Review status: criteria provided, multiple submitters, no conflicts (2 of 4 stars). 2 submissions from 2 submitters: Uncertain significance (2). Last evaluated 2025-10-07.

Conditions:
Inborn genetic diseases. Identifiers: MedGen C0950123, MeSH D030342.
IFT74-related disorder. Also called: IFT74-Related Disorders; IFT74-related condition.

gnomAD v4.1: 23 of 1,612,110 alleles (0.0014%); highest among the groups gnomAD compares: South Asian, 0.021%; 1 homozygote.

Submissions (2):

Ambry Genetics
Classification: Uncertain significance for Inborn genetic diseases. Last evaluated: 2025-10-07. Review status: criteria provided, single submitter. Criteria: Ambry Variant Classification Scheme 2023. Collection method: clinical testing. Allele origin: germline.

PreventionGenetics, part of Exact Sciences
Classification: Uncertain significance for IFT74-related condition. Last evaluated: 2025-08-04. Review status: criteria provided, single submitter. Criteria: ACMG Guidelines, 2015. Collection method: clinical testing. Allele origin: germline.
Comment: The IFT74 c.443G>A variant is predicted to result in the amino acid substitution p.Gly148Glu. To our knowledge, this variant has not been reported in the literature. This variant is reported in 0.013% of alleles in individuals of South Asian descent in gnomAD. At this time, the clinical significance of this variant is uncertain due to the absence of conclusive functional and genetic evidence.